The following is an entry in ClinVar:

ClinVar aggregate classification (germline): Likely benign. Review status: criteria provided, single submitter (1 of 4 stars). 3 submissions from 2 submitters: Likely benign (1). 2 of the submissions do not count toward it. Last evaluated 2024-07-16.

Conditions:
CDKL5 disorder. Identifiers: MedGen CN296942, MONDO:0100039.

Submissions (3):

Centre for Population Genomics, CPG
Classification: Likely benign for CDKL5 disorder. Last evaluated: 2024-07-16. Review status: criteria provided, single submitter. Criteria: McKnight et al. (Hum Mutat. 2022). Collection method: curation. Allele origin: germline. Inheritance: X-linked inheritance.
Comment: This variant has been collected from RettBASE and curated to current modified ACMG/AMP criteria. Based on the classification scheme defined by the ClinGen Rett/Angelman-like Expert Panel for Rett/AS-like Disorders Specifications to the ACMG/AMP Variant Interpretation Guidelines VCEP 3.0, this variant is classified as likely benign. At least the following criteria are met: Synonymous or intronic variant outside donor and acceptor splice regions where splicing prediction algorithms do not support significant splicing alteration (spliceAI score <=0.1) (BP4, BP7).

RettBASE
Classification: Likely benign. Last evaluated: 2014-03-13. Review status: no assertion criteria provided. Collection method: curation. Allele origin: unknown. Observed: 1 variant allele. Not counted in ClinVar's aggregate classification.
Comment: No splicing effect predicted, but not empirically tested

RettBASE
No classification provided. Review status: flagged submission. Collection method: not provided. Allele origin: not provided. Not counted in ClinVar's aggregate classification.
ClinVar note: Reason: This record appears to be redundant with a more recent record from the same submitter.
ClinVar note: Notes: SCV000189210 appears to be redundant with SCV000222283.

Literature cited by the submitters: PubMed 19734009 (cited by RettBASE).

NM_001323289.2(CDKL5):c.403+49_403+53del

Gene: CDKL5 (cyclin dependent kinase like 5; plus strand). Cytogenetic location: Xp22.13.
Variant type: Deletion.
Coding change: c.403+49_403+53del on transcript NM_001323289.2 (MANE Select); bases 49 to 53 of the intron after coding-DNA position 403, 5 bases deleted (TTAAG; older notation c.403+49_403+53delTTAAG).
Molecular consequence: intron variant.
Genome position (GRCh38, 1-based): chrX:18,580,017-18,580,021, TTAAG deleted; deleting any 5 consecutive bases within chrX:18,580,014-18,580,021 gives the same sequence; the c. name uses the placement nearest the transcript's 3' end. VCF-style (leftmost placement, unchanged base first): chrX-18580013-AAAGTT-A. GRCh37 (hg19) VCF-style: chrX-18598133-AAAGTT-A.
Other names: c.403+49_403+53del (NM_003159.3, NM_001037343.2); c.403+49_403+53delTTAAG (NM_003159.2).
Identifiers: ClinVar variation 156086 (VCV000156086.4), dbSNP rs267608473, ClinGen allele CA199362.